The following is an entry in ClinVar:

ClinVar aggregate classification (germline): Likely benign. Review status: criteria provided, multiple submitters, no conflicts (2 of 4 stars). 2 submissions from 2 submitters: Likely benign (2). Last evaluated 2025-11-10.

Allele frequency attached by ClinVar (database versions not stated): ExAC 0.00003; gnomAD 0.00003; TOPMed 0.00003; 1000 Genomes Project 0.00040; 1000 Genomes Project 30x 0.00062.
gnomAD v4.1: 17 of 1,613,726 alleles (0.0011%); highest among the groups gnomAD compares: African/African-American, 0.011%; no homozygotes.

Submissions (2):

Labcorp Genetics (formerly Invitae), Labcorp
Classification: Likely benign. Last evaluated: 2025-11-10. Review status: criteria provided, single submitter. Criteria: Invitae Variant Classification Sherloc (09022015). Collection method: clinical testing. Allele origin: germline.

CeGaT Center for Human Genetics Tuebingen
Classification: Likely benign. Last evaluated: 2025-05-01. Review status: criteria provided, single submitter. Criteria: CeGaT Center For Human Genetics Tuebingen Variant Classification Criteria Version 2. Collection method: clinical testing. Allele origin: germline. Affected: yes. Observed: 1 variant allele.
Comment: DEAF1: BP4, BP7

NM_021008.4(DEAF1):c.498G>A (p.Pro166=)

Gene: DEAF1 (DEAF1 transcription factor; minus strand). Cytogenetic location: 11p15.5.
Variant type: single nucleotide variant.
Coding change: c.498G>A on transcript NM_021008.4 (MANE Select); coding-DNA position 498, G replaced by A.
Protein change: p.Pro166=; no amino-acid change (proline 166 retained).
Molecular consequence: synonymous variant. On other transcripts: 5 prime UTR variant (1).
Genome position (GRCh38, 1-based): chr11:688,350, C>T on the plus strand (G>A on the coding strand, the complement: DEAF1 is on the minus strand). VCF-style: chr11-688350-C-T. GRCh37 (hg19) VCF-style: chr11-688350-C-T.
Other names: c.498G>A, p.Pro166= (NM_001293634.2); c.-229G>A (NM_001367390.1).
Identifiers: ClinVar variation 2142633 (VCV002142633.14), dbSNP rs574863473, ClinGen allele CA5786535.
Genomic context (GRCh38, chr11:688,350, plus strand): 5'-ACGTGTTTTGCCCGAGGCCTGGGGTGCAGGCACCGCTGTACCTGGGGTGAGGGGAGCTGC[C>T]GGGCCTTTCAGCCCGGTGGTCTCCACGATGCTCCCATCTGTGTGGACGACAATCAGTGTC-3'
Protein context (NP_066288.2, residues 156-176): SIVETTGLKG[Pro166=]AAPLTPGPQS